The following is an entry in ClinVar:

NM_053025.4(MYLK):c.4336G>A (p.Glu1446Lys)

Gene: MYLK (myosin light chain kinase; minus strand). Cytogenetic location: 3q21.1.
Variant type: single nucleotide variant.
Coding change: c.4336G>A on transcript NM_053025.4 (MANE Select); coding-DNA position 4336, G replaced by A.
Protein change: p.Glu1446Lys; replaces glutamic acid 1446 with lysine.
Molecular consequence: missense variant.
Genome position (GRCh38, 1-based): chr3:123,649,050, C>T on the plus strand (G>A on the coding strand, the complement: MYLK is on the minus strand). VCF-style: chr3-123649050-C-T. GRCh37 (hg19) VCF-style: chr3-123367897-C-T.
Other names: c.3808G>A, p.Glu1270Lys (NM_001321309.2); c.4129G>A, p.Glu1377Lys (NM_053026.4, NM_053028.4); c.4336G>A, p.Glu1446Lys (NM_053027.4); short protein forms E1446K, E1377K, E1270K.
Identifiers: ClinVar variation 263899 (VCV000263899.31), dbSNP rs146682969, ClinGen allele CA071483.

ClinVar aggregate classification (germline): Conflicting classifications of pathogenicity. Review status: criteria provided, conflicting classifications (1 of 4 stars). 9 submissions from 9 submitters: Uncertain significance (7); Likely benign (2). Last evaluated 2026-01-28.

Conditions:
Familial thoracic aortic aneurysm and aortic dissection (TAAD). Also called: Thoracic aortic aneurysms and dissections. Identifiers: Orphanet 91387, MedGen C4707243, MONDO:0019625.
Aortic aneurysm, familial thoracic 7 (AAT7). Also called: AORTIC DISSECTION, FAMILIAL, WITH OR WITHOUT AORTIC ANEURYSM. Identifiers: MedGen C3151077, MONDO:0013418, OMIM 613780.

Allele frequency attached by ClinVar (database versions not stated): ESP Exome Variant Server 0.00008; gnomAD exomes 0.00011 and 0.00025; gnomAD 0.00012; TOPMed 0.00012; ExAC 0.00013.
gnomAD v4.1: 384 of 1,614,072 alleles (0.024%); highest among the groups gnomAD compares: Non-Finnish European, 0.029%; no homozygotes.

Submissions (9):

Labcorp Genetics (formerly Invitae), Labcorp
Classification: Likely benign for Aortic aneurysm, familial thoracic 7. Last evaluated: 2026-01-28. Review status: criteria provided, single submitter. Criteria: Invitae Variant Classification Sherloc (09022015). Collection method: clinical testing. Allele origin: germline.

GeneDx
Classification: Uncertain significance. Last evaluated: 2025-07-09. Review status: criteria provided, single submitter. Criteria: GeneDx Variant Classification Process June 2021. Collection method: clinical testing. Allele origin: germline. Affected: yes.
Comment: Identified in association with aortic dissection in published literature (PMID: 29961567); Published functional studies suggest a damaging effect as the p.(E1446K) variant results in reduced enzyme activity compared to wildtype (PMID: 29961567); In silico analysis suggests that this missense variant does not alter protein structure/function; This variant is associated with the following publications: (PMID: 27463017, 29961567)

Ambry Genetics
Classification: Uncertain significance for Familial thoracic aortic aneurysm and aortic dissection. Last evaluated: 2025-06-10. Review status: criteria provided, single submitter. Criteria: Ambry Variant Classification Scheme 2023. Collection method: clinical testing. Allele origin: germline.
Comment: The p.E1446K variant (also known as c.4336G>A), located in coding exon 23 of the MYLK gene, results from a G to A substitution at nucleotide position 4336. The glutamic acid at codon 1446 is replaced by lysine, an amino acid with similar properties. In vitro studies demonstrated a partial reduction in enzyme activity, but functional impact has not been determined (Kwartler CS et al. Am. J. Hum. Genet., 2018 Jul;103:138-143). This amino acid position is well conserved in available vertebrate species. In addition, this alteration is predicted to be tolerated by in silico analysis. Since supporting evidence is limited at this time, the clinical significance of this alteration remains unclear.

Blueprint Genetics
Classification: Likely benign. Last evaluated: 2024-04-15. Review status: criteria provided, single submitter. Criteria: ACMG Guidelines, 2015. Collection method: clinical testing. Allele origin: germline.

Department of Pathology and Laboratory Medicine, Sinai Health System
Classification: Uncertain significance for Aortic aneurysm, familial thoracic 7. Last evaluated: 2022-10-14. Review status: criteria provided, single submitter. Criteria: ACMG Guidelines, 2015. Collection method: research. Allele origin: germline.

Women's Health and Genetics/Laboratory Corporation of America, LabCorp
Classification: Uncertain significance. Last evaluated: 2021-03-25. Review status: criteria provided, single submitter. Criteria: LabCorp Variant Classification Summary - May 2015. Collection method: clinical testing. Allele origin: germline.
Comment: Variant summary: MYLK c.4336G>A (p.Glu1446Lys) results in a conservative amino acid change in the encoded protein sequence. Three of five in-silico tools predict a benign effect of the variant on protein function. The variant allele was found at a frequency of 0.00011 in 251468 control chromosomes. The observed variant frequency is approximately 2 fold of the estimated maximal expected allele frequency for a pathogenic variant in MYLK causing Thoracic Aortic Aneurysms And Dissections phenotype (5e-05), strongly suggesting that the variant is benign. To our knowledge, no occurrence of c.4336G>A in individuals affected with Thoracic Aortic Aneurysms And Dissections has been reported. At least one publication reports experimental evidence evaluating an impact on protein function. The most pronounced variant effect results in >50%-90% of normal activity (Kwartler_2018). Five clinical diagnostic laboratories have submitted clinical-significance assessments for this variant to ClinVar after 2014 without evidence for independent evaluation. All laboratories classified the variant as uncertain significance. Based on the evidence outlined above, the variant was classified as VUS-possibly benign.

Mayo Clinic Laboratories, Mayo Clinic
Classification: Uncertain significance. Last evaluated: 2019-05-20. Review status: criteria provided, single submitter. Criteria: ACMG Guidelines, 2015. Collection method: clinical testing. Allele origin: germline. Observed: 1 variant allele.

CHEO Genetics Diagnostic Laboratory, Children's Hospital of Eastern Ontario
Classification: Uncertain significance for Familial thoracic aortic aneurysm and aortic dissection. Last evaluated: 2018-08-03. Review status: criteria provided, single submitter. Criteria: ACMG Guidelines, 2015. Collection method: clinical testing. Allele origin: germline.

Illumina Laboratory Services, Illumina
Classification: Uncertain significance for Aortic aneurysm, familial thoracic 7. Last evaluated: 2018-01-13. Review status: criteria provided, single submitter. Criteria: ICSL Variant Classification Criteria 13 December 2019. Collection method: clinical testing. Allele origin: germline.

Literature cited by the submitters: PubMed 29961567 (cited by Ambry Genetics and Women's Health and Genetics/Laboratory Corporation of America, LabCorp).